The following is an entry in ClinVar:

ClinVar aggregate classification (germline): Likely benign. Review status: criteria provided, multiple submitters, no conflicts (2 of 4 stars). 2 submissions from 2 submitters: Likely benign (2). Last evaluated 2024-05-23.

Conditions:
Kabuki syndrome. Also called: NIIKAWA-KUROKI SYNDROME; Kabuki make-up syndrome. Identifiers: Orphanet 2322, MedGen C0796004, MONDO:0016512.

gnomAD v4.1: 1 of 1,609,648 alleles (0.000062%); highest among the groups gnomAD compares: Non-Finnish European, 0.000085%; no homozygotes.

Submissions (2):

Labcorp Genetics (formerly Invitae), Labcorp
Classification: Likely benign for Kabuki syndrome. Last evaluated: 2024-05-23. Review status: criteria provided, single submitter. Criteria: Invitae Variant Classification Sherloc (09022015). Collection method: clinical testing. Allele origin: germline.

CeGaT Center for Human Genetics Tuebingen
Classification: Likely benign. Last evaluated: 2023-12-01. Review status: criteria provided, single submitter. Criteria: CeGaT Center For Human Genetics Tuebingen Variant Classification Criteria Version 2. Collection method: clinical testing. Allele origin: germline. Affected: yes. Observed: 1 variant allele.
Comment: KMT2D: PM2:Supporting, BP4, BP7

NM_003482.4(KMT2D):c.13180C>T (p.Leu4394=)

Gene: KMT2D (lysine methyltransferase 2D; minus strand). Cytogenetic location: 12q13.12.
Variant type: single nucleotide variant.
Coding change: c.13180C>T on transcript NM_003482.4 (MANE Select); coding-DNA position 13180, C replaced by T.
Protein change: p.Leu4394=; no amino-acid change (leucine 4394 retained).
Molecular consequence: synonymous variant.
Genome position (GRCh38, 1-based): chr12:49,031,525, G>A on the plus strand (C>T on the coding strand, the complement: KMT2D is on the minus strand). VCF-style: chr12-49031525-G-A. GRCh37 (hg19) VCF-style: chr12-49425308-G-A.
Identifiers: ClinVar variation 3026660 (VCV003026660.24), dbSNP rs2498351884, ClinGen allele CA479707916.
Genomic context (GRCh38, chr12:49,031,525, plus strand): 5'-TGAGTTGGGATGCCTCAGGCACCACCTGTCCATTCACCTGGTCCAGATGCCCAGGTACCA[G>A]GCTGCTCTGCTCTGGCTTCTGGGTTTCTGCTAGGTTGTCTGGGGGATCCCAAGGTCCCAG-3'
Protein context (NP_003473.3, residues 4384-4404): AETQKPEQSS[Leu4394=]VPGHLDQVNG